The following is an entry in ClinVar:

NM_001081550.2(THOC2):c.4746G>T (p.Glu1582Asp)

Gene: THOC2 (THO complex subunit 2; minus strand). Cytogenetic location: Xq25.
Variant type: single nucleotide variant.
Coding change: c.4746G>T on transcript NM_001081550.2 (MANE Select); coding-DNA position 4746, G replaced by T.
Protein change: p.Glu1582Asp; replaces glutamic acid 1582 with aspartic acid.
Molecular consequence: missense variant.
Genome position (GRCh38, 1-based): chrX:123,611,448, C>A on the plus strand (G>T on the coding strand, the complement: THOC2 is on the minus strand). VCF-style: chrX-123611448-C-A. GRCh37 (hg19) VCF-style: chrX-122745299-C-A.
Other names: short protein forms E1582D.
Identifiers: ClinVar variation 4072749 (VCV004072749.1).

ClinVar aggregate classification (germline): Uncertain significance (1 of 4 stars; one submission).

Submission:

GeneDx
Classification: Uncertain significance. Last evaluated: 2025-02-04. Review status: criteria provided, single submitter. Criteria: GeneDx Variant Classification Process June 2021. Collection method: clinical testing. Allele origin: germline. Affected: yes.
Comment: Not observed at significant frequency in large population cohorts (gnomAD); In silico analysis supports that this missense variant has a deleterious effect on protein structure/function; Has not been previously published as pathogenic or benign to our knowledge